The following is an entry in ClinVar:

ClinVar aggregate classification (germline): Likely benign. Review status: criteria provided, multiple submitters, no conflicts (2 of 4 stars). 4 submissions from 4 submitters: Likely benign (3). 1 of the submissions does not count toward it. Last evaluated 2026-02-03.

Conditions:
POLD1-related disorder. Also called: POLD1-related disorders; POLD1-related condition.
Hereditary cancer-predisposing syndrome. Also called: Neoplastic Syndromes, Hereditary; Hereditary neoplastic syndrome; Hereditary Cancer Syndrome; Tumor predisposition. Identifiers: Orphanet 140162, MedGen C0027672, MeSH D009386, MONDO:0015356.
POLD1-related polyposis and colorectal cancer syndrome (CRCS10). Also called: Colorectal cancer, susceptibility to, 10; Colorectal cancer 10; COLORECTAL CANCER, SUSCEPTIBILITY TO, ON CHROMOSOME 19q. Identifiers: Orphanet 220460, MedGen C2675481, MONDO:0012953, OMIM 612591.

Allele frequency attached by ClinVar (database versions not stated): gnomAD 0.00004; gnomAD exomes 0.00001; TOPMed 0.00003.

Submissions (4):

Labcorp Genetics (formerly Invitae), Labcorp
Classification: Likely benign for POLD1-related polyposis and colorectal cancer syndrome. Last evaluated: 2026-02-03. Review status: criteria provided, single submitter. Criteria: Invitae Variant Classification Sherloc (09022015). Collection method: clinical testing. Allele origin: germline.

GeneDx
Classification: Likely benign. Last evaluated: 2018-11-24. Review status: criteria provided, single submitter. Criteria: GeneDx Variant Classification Process June 2021. Collection method: clinical testing. Allele origin: germline. Affected: yes.

Ambry Genetics
Classification: Likely benign for Hereditary cancer-predisposing syndrome. Last evaluated: 2015-07-29. Review status: criteria provided, single submitter. Criteria: Ambry Variant Classification Scheme 2023. Collection method: clinical testing. Allele origin: germline.

PreventionGenetics, part of Exact Sciences
Classification: Likely benign for POLD1-related condition. Last evaluated: 2019-03-27. Review status: no assertion criteria provided. Collection method: clinical testing. Allele origin: germline. Not counted in ClinVar's aggregate classification.
Comment: This variant is classified as likely benign based on ACMG/AMP sequence variant interpretation guidelines (Richards et al. 2015 PMID: 25741868, with internal and published modifications).

NM_002691.4(POLD1):c.558C>T (p.Ala186=)

Gene: POLD1 (DNA polymerase delta 1, catalytic subunit; plus strand). Cytogenetic location: 19q13.33.
Variant type: single nucleotide variant.
Coding change: c.558C>T on transcript NM_002691.4 (MANE Select); coding-DNA position 558, C replaced by T.
Protein change: p.Ala186=; no amino-acid change (alanine 186 retained).
Molecular consequence: synonymous variant. On other transcripts: non-coding transcript variant (1).
Genome position (GRCh38, 1-based): chr19:50,402,093, C>T. VCF-style: chr19-50402093-C-T. GRCh37 (hg19) VCF-style: chr19-50905350-C-T.
Other names: c.558C>T, p.Ala186= (NM_001256849.1, NM_001308632.1).
Identifiers: ClinVar variation 390915 (VCV000390915.21), dbSNP rs946941126, ClinGen allele CA16609014.